The following is an entry in ClinVar:

NM_000548.5(TSC2):c.5153A>G (p.His1718Arg)

Gene: TSC2 (TSC complex subunit 2; plus strand). Cytogenetic location: 16p13.3.
Variant type: single nucleotide variant.
Coding change: c.5153A>G on transcript NM_000548.5 (MANE Select); coding-DNA position 5153, A replaced by G.
Protein change: p.His1718Arg; replaces histidine 1718 with arginine.
Molecular consequence: missense variant.
Genome position (GRCh38, 1-based): chr16:2,088,132, A>G. VCF-style: chr16-2088132-A-G. GRCh37 (hg19) VCF-style: chr16-2138133-A-G.
Other names: c.5081A>G, p.His1694Arg (NM_001406664.1); c.5075A>G, p.His1692Arg (NM_001406665.1); c.5045A>G, p.His1682Arg (NM_001406667.1); c.5042A>G, p.His1681Arg (NM_001406668.1); c.4973A>G, p.His1658Arg (NM_001406670.1); c.4943A>G, p.His1648Arg (NM_001406671.1); c.4940A>G, p.His1647Arg (NM_001406673.1); c.4937A>G, p.His1646Arg (NM_001406675.1); and 26 more; short protein forms H1204R, H1451R, H1603R, H1614R, H1648R, H1692R, H1695R, H1117R.
Identifiers: ClinVar variation 2114132 (VCV002114132.5), dbSNP rs2151623402, ClinGen allele CA394312642.

ClinVar aggregate classification (germline): Uncertain significance. Review status: criteria provided, multiple submitters, no conflicts (2 of 4 stars). 2 submissions from 2 submitters: Uncertain significance (2). Last evaluated 2025-02-13.

Conditions:
Tuberous sclerosis 2 (TSC2). Identifiers: Orphanet 805, MedGen C1860707, MONDO:0013199, OMIM 613254.

Submissions (2):

GeneDx
Classification: Uncertain significance. Last evaluated: 2025-02-13. Review status: criteria provided, single submitter. Criteria: GeneDx Variant Classification Process June 2021. Collection method: clinical testing. Allele origin: germline. Affected: yes.
Comment: Not observed at significant frequency in large population cohorts (gnomAD); In silico analysis supports that this missense variant has a deleterious effect on protein structure/function; Has not been previously published as pathogenic or benign to our knowledge; This variant is associated with the following publications: (PMID: 18466115)

Labcorp Genetics (formerly Invitae), Labcorp
Classification: Uncertain significance for Tuberous sclerosis 2. Last evaluated: 2023-08-27. Review status: criteria provided, single submitter. Criteria: Invitae Variant Classification Sherloc (09022015). Collection method: clinical testing. Allele origin: germline.
Comment: In summary, the available evidence is currently insufficient to determine the role of this variant in disease. Therefore, it has been classified as a Variant of Uncertain Significance. Advanced modeling of protein sequence and biophysical properties (such as structural, functional, and spatial information, amino acid conservation, physicochemical variation, residue mobility, and thermodynamic stability) performed at Invitae indicates that this missense variant is not expected to disrupt TSC2 protein function. ClinVar contains an entry for this variant (Variation ID: 2114132). This variant has not been reported in the literature in individuals affected with TSC2-related conditions. This variant is not present in population databases (gnomAD no frequency). This sequence change replaces histidine, which is basic and polar, with arginine, which is basic and polar, at codon 1718 of the TSC2 protein (p.His1718Arg).